The following is an entry in ClinVar:

NM_012213.3(MLYCD):c.560C>G (p.Ser187Ter)

Gene: MLYCD (malonyl-CoA decarboxylase; plus strand). Cytogenetic location: 16q23.3.
Variant type: single nucleotide variant.
Coding change: c.560C>G on transcript NM_012213.3 (MANE Select); coding-DNA position 560, C replaced by G.
Protein change: p.Ser187Ter; replaces serine 187 with a stop codon.
Molecular consequence: nonsense.
Genome position (GRCh38, 1-based): chr16:83,907,018, C>G. VCF-style: chr16-83907018-C-G. GRCh37 (hg19) VCF-style: chr16-83940623-C-G.
Other names: S148*; short protein forms S187*.
Identifiers: ClinVar variation 4055 (VCV000004055.13), dbSNP rs104894528, ClinGen allele CA340134.
Genomic context (GRCh38, chr16:83,907,018, plus strand): 5'-AGGCCTGGGATTTATCTTCTCCTTTTCAGGAAATGAATGGGGTGCTGAAAGGAATGCTCT[C>G]AGAATGGTTTTCCTCCGGGTTCCTGAACCTAGAACGGGTTACCTGGCATTCACCGTGTGA-3'

ClinVar aggregate classification (germline): Pathogenic. Review status: criteria provided, multiple submitters, no conflicts (2 of 4 stars). 6 submissions from 6 submitters: Pathogenic (5). 1 of the submissions does not count toward it. Last evaluated 2024-04-09.

Conditions:
MLYCD-related disorder. Also called: MLYCD-related condition.
Deficiency of malonyl-CoA decarboxylase. Also called: Malonic aciduria; MCD deficiency. Identifiers: Orphanet 943, MedGen C0342793, MONDO:0009556, OMIM 248360.

Allele frequency attached by ClinVar (database versions not stated): gnomAD exomes 0.00002; ExAC 0.00002; gnomAD 0.00004; TOPMed 0.00002.
gnomAD v4.1: 82 of 1,614,028 alleles (0.0051%); highest among the groups gnomAD compares: Non-Finnish European, 0.0064%; no homozygotes.

Submissions (6):

Fulgent Genetics
Classification: Pathogenic for Deficiency of malonyl-CoA decarboxylase. Last evaluated: 2024-04-09. Review status: criteria provided, single submitter. Criteria: ACMG Guidelines, 2015. Collection method: clinical testing. Allele origin: germline.

Labcorp Genetics (formerly Invitae), Labcorp
Classification: Pathogenic for Deficiency of malonyl-CoA decarboxylase. Last evaluated: 2024-02-18. Review status: criteria provided, single submitter. Criteria: Invitae Variant Classification Sherloc (09022015). Collection method: clinical testing. Allele origin: germline.
Comment: This sequence change creates a premature translational stop signal (p.Ser187*) in the MLYCD gene. It is expected to result in an absent or disrupted protein product. Loss-of-function variants in MLYCD are known to be pathogenic (PMID: 12955715, 17186413). This variant is present in population databases (rs104894528, gnomAD 0.003%). This premature translational stop signal has been observed in individual(s) with malonyl-CoA decarboxylase deficiency (PMID: 10417274). This variant is also known as 442C>G, S148X. ClinVar contains an entry for this variant (Variation ID: 4055). For these reasons, this variant has been classified as Pathogenic.

Revvity Omics, Revvity
Classification: Pathogenic for Deficiency of malonyl-CoA decarboxylase. Last evaluated: 2022-10-04. Review status: criteria provided, single submitter. Criteria: ACMG Guidelines, 2015. Collection method: clinical testing. Allele origin: germline.

Blueprint Genetics
Classification: Pathogenic for MLYCD-related disorders. Last evaluated: 2022-06-30. Review status: criteria provided, single submitter. Criteria: ACMG Guidelines, 2015. Collection method: clinical testing. Allele origin: germline. Affected: yes. Observed: 5 variant alleles.

GeneDx
Classification: Pathogenic. Last evaluated: 2019-02-26. Review status: criteria provided, single submitter. Criteria: GeneDx Variant Classification (06012015). Collection method: clinical testing. Allele origin: germline. Affected: yes.
Comment: The S187X nonsense variant in the MLYCD gene has been reported previously in association with malonyl-CoA decarboxylase deficiency (FitzPatrick et al., 1999; Salomons et al., 2007). This variant is predicted to cause loss of normal protein function either through protein truncation or nonsense-mediated mRNA decay. The S187X variant is not observed at a significant frequency in large population cohorts (Lek et al., 2016). In summary, we interpret S187X to be a pathogenic variant.

OMIM
Classification: Pathogenic for MALONYL-CoA DECARBOXYLASE DEFICIENCY. Last evaluated: 1999-08-01. Review status: no assertion criteria provided. Collection method: literature only. Allele origin: germline. Not counted in ClinVar's aggregate classification.

Literature cited by the submitters: PubMed 12955715 (cited by Labcorp Genetics (formerly Invitae), Labcorp); PubMed 17186413 (cited by Labcorp Genetics (formerly Invitae), Labcorp); PubMed 10417274 (cited by Labcorp Genetics (formerly Invitae), Labcorp and OMIM); PubMed 8259873 (cited by OMIM).